The following is an entry in ClinVar:

ClinVar aggregate classification (germline): Likely benign (1 of 4 stars; one submission).

Submission:

CeGaT Center for Human Genetics Tuebingen
Classification: Likely benign. Last evaluated: 2025-07-01. Review status: criteria provided, single submitter. Criteria: CeGaT Center For Human Genetics Tuebingen Variant Classification Criteria Version 2. Collection method: clinical testing. Allele origin: germline. Affected: yes. Observed: 1 variant allele.
Comment: FKRP: PM2:Supporting, BP4, BP7

NM_024301.5(FKRP):c.93T>G (p.Pro31=)

Gene: FKRP (fukutin related protein; plus strand). Cytogenetic location: 19q13.32.
Variant type: single nucleotide variant.
Coding change: c.93T>G on transcript NM_024301.5 (MANE Select); coding-DNA position 93, T replaced by G.
Protein change: p.Pro31=; no amino-acid change (proline 31 retained).
Molecular consequence: synonymous variant.
Genome position (GRCh38, 1-based): chr19:46,755,543, T>G. VCF-style: chr19-46755543-T-G. GRCh37 (hg19) VCF-style: chr19-47258800-T-G.
Other names: c.93T>G, p.Pro31= (NM_001039885.3).
Identifiers: ClinVar variation 4085112 (VCV004085112.8).